The following is an entry in ClinVar:

ClinVar aggregate classification (germline): Conflicting classifications of pathogenicity. Review status: criteria provided, conflicting classifications (1 of 4 stars). 8 submissions from 6 submitters: Uncertain significance (5); Likely benign (2). 1 of the submissions does not count toward it. Last evaluated 2025-11-23.

Conditions:
Pyropoikilocytosis, hereditary. Also called: Pyropoikilocytosis. Identifiers: MedGen C0520739, MONDO:0009948, OMIM 266140, HP:0004839. Disease mechanism: loss of function.
SPTA1-related disorder. Also called: SPTA1-related disorders; SPTA1-related condition.
Hereditary spherocytosis type 3. Also called: Spherocytosis type 3; SPTA1-Related Spherocytosis. Identifiers: Orphanet 822, MedGen C2678338, MONDO:0010053, OMIM 270970.
Elliptocytosis 2 (EL2). Also called: ELLIPTOCYTOSIS, RHESUS-UNLINKED TYPE. Identifiers: Orphanet 288, MedGen C1851741, MONDO:0007533, OMIM 130600.

Allele frequency attached by ClinVar (database versions not stated): ExAC 0.00031; 1000 Genomes Project 0.00060; gnomAD 0.00076; 1000 Genomes Project 30x 0.00078; TOPMed 0.00100; ESP Exome Variant Server 0.00114.
gnomAD v4.1: 361 of 1,614,096 alleles (0.022%); highest among the groups gnomAD compares: African/African-American, 0.27%; 1 homozygote.

Submissions (8):

Labcorp Genetics (formerly Invitae), Labcorp
Classification: Likely benign. Last evaluated: 2025-11-23. Review status: criteria provided, single submitter. Criteria: Invitae Variant Classification Sherloc (09022015). Collection method: clinical testing. Allele origin: germline.

Ambry Genetics
Classification: Uncertain significance. Last evaluated: 2025-09-22. Review status: criteria provided, single submitter. Criteria: Ambry Variant Classification Scheme 2023. Collection method: clinical testing. Allele origin: germline.

ARUP Laboratories, Molecular Genetics and Genomics, ARUP Laboratories
Classification: Uncertain significance. Last evaluated: 2024-02-21. Review status: criteria provided, single submitter. Criteria: ARUP Molecular Germline Variant Investigation Process 2024. Collection method: clinical testing. Allele origin: germline.

Mayo Clinic Laboratories, Mayo Clinic
Classification: Uncertain significance. Last evaluated: 2022-06-28. Review status: criteria provided, single submitter. Criteria: ACMG Guidelines, 2015. Collection method: clinical testing. Allele origin: germline. Observed: 3 variant alleles.
Comment: BP4

Illumina Laboratory Services, Illumina
Classification: Uncertain significance for Hereditary spherocytosis type 3. Last evaluated: 2018-01-12. Review status: criteria provided, single submitter. Criteria: ICSL Variant Classification Criteria 13 December 2019. Collection method: clinical testing. Allele origin: germline.

Illumina Laboratory Services, Illumina
Classification: Uncertain significance for Pyropoikilocytosis, hereditary. Last evaluated: 2018-01-12. Review status: criteria provided, single submitter. Criteria: ICSL Variant Classification Criteria 13 December 2019. Collection method: clinical testing. Allele origin: germline.

Illumina Laboratory Services, Illumina
Classification: Likely benign for Elliptocytosis 2. Last evaluated: 2018-01-12. Review status: criteria provided, single submitter. Criteria: ICSL Variant Classification Criteria 13 December 2019. Collection method: clinical testing. Allele origin: germline.
Comment: This variant was observed in the ICSL laboratory as part of a predisposition screen in an ostensibly healthy population. It had not been previously curated by ICSL or reported in the Human Gene Mutation Database (HGMD: prior to June 1st, 2018), and was therefore a candidate for classification through an automated scoring system. Utilizing variant allele frequency, disease prevalence and penetrance estimates, and inheritance mode, an automated score was calculated to assess if this variant is too frequent to cause the disease. Based on the score and internal cut-off values, a variant classified as likely benign is not then subjected to further curation. The score for this variant resulted in a classification of likely benign for this disease.

PreventionGenetics, part of Exact Sciences
Classification: Likely benign for SPTA1-related condition. Last evaluated: 2022-10-05. Review status: no assertion criteria provided. Collection method: clinical testing. Allele origin: germline. Not counted in ClinVar's aggregate classification.
Comment: This variant is classified as likely benign based on ACMG/AMP sequence variant interpretation guidelines (Richards et al. 2015 PMID: 25741868, with internal and published modifications).

NM_003126.4(SPTA1):c.3167G>T (p.Arg1056Leu)

Gene: SPTA1 (spectrin alpha, erythrocytic 1; minus strand). Cytogenetic location: 1q23.1.
Variant type: single nucleotide variant.
Coding change: c.3167G>T on transcript NM_003126.4 (MANE Select); coding-DNA position 3167, G replaced by T.
Protein change: p.Arg1056Leu; replaces arginine 1056 with leucine.
Molecular consequence: missense variant.
Genome position (GRCh38, 1-based): chr1:158,653,295, C>A on the plus strand (G>T on the coding strand, the complement: SPTA1 is on the minus strand). VCF-style: chr1-158653295-C-A. GRCh37 (hg19) VCF-style: chr1-158623085-C-A.
Other names: p.Arg1056Leu; short protein forms R1056L.
Identifiers: ClinVar variation 292999 (VCV000292999.19), dbSNP rs188875641, ClinGen allele CA1183155.